The following is an entry in ClinVar:

NM_003849.4(SUCLG1):c.40A>G (p.Met14Val)

Gene: SUCLG1 (succinate-CoA ligase GDP/ADP-forming subunit alpha; minus strand). Cytogenetic location: 2p11.2.
Variant type: single nucleotide variant.
Coding change: c.40A>G on transcript NM_003849.4 (MANE Select); coding-DNA position 40, A replaced by G.
Protein change: p.Met14Val; replaces methionine 14 with valine.
Molecular consequence: missense variant.
Genome position (GRCh38, 1-based): chr2:84,459,230, T>C on the plus strand (A>G on the coding strand, the complement: SUCLG1 is on the minus strand). VCF-style: chr2-84459230-T-C. GRCh37 (hg19) VCF-style: chr2-84686354-T-C.
Other names: p.M14V:ATG>GTG; short protein forms M14V.
Identifiers: ClinVar variation 203978 (VCV000203978.12), dbSNP rs796052053, ClinGen allele CA313064.

ClinVar aggregate classification (germline): Conflicting classifications of pathogenicity. Review status: criteria provided, conflicting classifications (1 of 4 stars). 5 submissions from 5 submitters: Likely pathogenic (1); Uncertain significance (4). Last evaluated 2026-08-25.

Conditions:
SUCLG1-related disorder. Also called: SUCLG1-related condition.
Inborn genetic diseases. Identifiers: MedGen C0950123, MeSH D030342.
Mitochondrial DNA depletion syndrome 9 (MTDPS9). Also called: SUCLG1-Related Mitochondrial DNA Depletion Syndrome, Encephalomyopathic Form with Methylmalonic Aciduria. Identifiers: Orphanet 17, MedGen C3151476, MONDO:0009504, OMIM 245400.

Submissions (5):

PreventionGenetics, part of Exact Sciences
Classification: Uncertain significance for SUCLG1-related condition. Last evaluated: 2026-08-25. Review status: criteria provided, single submitter. Criteria: ACMG Guidelines, 2015. Collection method: clinical testing. Allele origin: germline.
Comment: The SUCLG1 c.40A>G variant is predicted to result in the amino acid substitution p.Met14Val. This variant has been reported in the compound heterozygous state in a newborn with mild methylmalonic aciduria (Zhang et al. 2020. doi: 10.3760/cma.j.cn113903-20190927-00579; accessed at an online resource). This variant is reported in 0.0081% of alleles in individuals of Latino descent in gnomAD and has conflicting interpretations in ClinVar ranging from uncertain to likely pathogenic (Variation ID: 203978). Alternate missense changes at the same amino acid position, p.Met14Leu and p.Met14Thr, have been reported in the homozygous or compound heterozygous state in individuals with SUCLG1 related diseases (Van Hove et al. 2010. PubMed ID: 20453710; Donti et al. 2016. PubMed ID: 27484306; Sakamoto et al. 2011. PubMed ID: 21639866). In one functional study, patient fibroblasts compound heterozygous with p.Met14Leu demonstrated absence of detectable SUCLG1 protein and drastically reduced enzyme activity (Donti et al. 2016. PubMed ID: 27484306) and in another study using patient fibroblasts homozygous for p.Met14Leu, the use of emitine was shown to restore mRNA levels (Van Hove et al. 2010. PubMed ID: 20453710). Although we suspect that this variant may be pathogenic, at this time, the clinical significance of this variant is uncertain due to the absence of conclusive functional and genetic evidence.

GeneDx
Classification: Likely pathogenic. Last evaluated: 2026-01-22. Review status: criteria provided, single submitter. Criteria: GeneDx Variant Classification Process June 2021. Collection method: clinical testing. Allele origin: germline. Affected: yes.
Comment: Not observed at significant frequency in large population cohorts (gnomAD); In silico analysis suggests that this missense variant does not alter protein structure/function; This variant is associated with the following publications: (PMID: 37445899, Zhang2020[CaseReport])

Labcorp Genetics (formerly Invitae), Labcorp
Classification: Uncertain significance for Mitochondrial DNA depletion syndrome 9. Last evaluated: 2025-11-10. Review status: criteria provided, single submitter. Criteria: Invitae Variant Classification Sherloc (09022015). Collection method: clinical testing. Allele origin: germline.
Comment: This sequence change replaces methionine, which is neutral and non-polar, with valine, which is neutral and non-polar, at codon 14 of the SUCLG1 protein (p.Met14Val). This variant is present in population databases (rs796052053, gnomAD 0.008%). This variant has not been reported in the literature in individuals affected with SUCLG1-related conditions. ClinVar contains an entry for this variant (Variation ID: 203978). Invitae Evidence Modeling of protein sequence and biophysical properties (such as structural, functional, and spatial information, amino acid conservation, physicochemical variation, residue mobility, and thermodynamic stability) has been performed for this missense variant. However, the output from this modeling did not meet the statistical confidence thresholds required to predict the impact of this variant on SUCLG1 protein function. This variant disrupts the p.Met14 amino acid residue in SUCLG1. Other variant(s) that disrupt this residue have been determined to be pathogenic (PMID: 20453710, 27484306; internal data). This suggests that this residue is clinically significant, and that variants that disrupt this residue are likely to be disease-causing. In summary, the available evidence is currently insufficient to determine the role of this variant in disease. Therefore, it has been classified as a Variant of Uncertain Significance.

Ambry Genetics
Classification: Uncertain significance for Inborn genetic diseases. Last evaluated: 2021-07-20. Review status: criteria provided, single submitter. Criteria: Ambry Variant Classification Scheme 2023. Collection method: clinical testing. Allele origin: germline.

Revvity Omics, Revvity
Classification: Uncertain significance for Mitochondrial DNA depletion syndrome 9. Last evaluated: 2019-06-04. Review status: criteria provided, single submitter. Criteria: ACMG Guidelines, 2015. Collection method: clinical testing. Allele origin: germline.

Literature cited by the submitters: PubMed 20453710 (cited by Labcorp Genetics (formerly Invitae), Labcorp); PubMed 27484306 (cited by Labcorp Genetics (formerly Invitae), Labcorp).